The following is an entry in ClinVar:

ClinVar aggregate classification (germline): Uncertain significance (1 of 4 stars; one submission).

Conditions:
Spastic paraplegia. Identifiers: MedGen C0037772, HP:0001258.

Allele frequency attached by ClinVar (database versions not stated): gnomAD exomes below 0.00001; ExAC 0.00001.

Submission:

Labcorp Genetics (formerly Invitae), Labcorp
Classification: Uncertain significance for Spastic paraplegia. Last evaluated: 2025-06-04. Review status: criteria provided, single submitter. Criteria: Invitae Variant Classification Sherloc (09022015). Collection method: clinical testing. Allele origin: germline.
Comment: This sequence change replaces serine, which is neutral and polar, with isoleucine, which is neutral and non-polar, at codon 720 of the GBA2 protein (p.Ser720Ile). This variant is present in population databases (rs757918567, gnomAD 0.006%). This variant has not been reported in the literature in individuals affected with GBA2-related conditions. ClinVar contains an entry for this variant (Variation ID: 2163638). Invitae Evidence Modeling of protein sequence and biophysical properties (such as structural, functional, and spatial information, amino acid conservation, physicochemical variation, residue mobility, and thermodynamic stability) indicates that this missense variant is not expected to disrupt GBA2 protein function with a negative predictive value of 80%. In summary, the available evidence is currently insufficient to determine the role of this variant in disease. Therefore, it has been classified as a Variant of Uncertain Significance.

NM_020944.3(GBA2):c.2159G>T (p.Ser720Ile)

Gene: GBA2 (glucosylceramidase beta 2; minus strand). Cytogenetic location: 9p13.3.
Variant type: single nucleotide variant.
Coding change: c.2159G>T on transcript NM_020944.3 (MANE Select); coding-DNA position 2159, G replaced by T.
Protein change: p.Ser720Ile; replaces serine 720 with isoleucine.
Molecular consequence: missense variant.
Genome position (GRCh38, 1-based): chr9:35,738,270, C>A on the plus strand (G>T on the coding strand, the complement: GBA2 is on the minus strand). VCF-style: chr9-35738270-C-A. GRCh37 (hg19) VCF-style: chr9-35738267-C-A.
Other names: c.2159G>T, p.Ser720Ile (NM_001330660.2); short protein forms S720I.
Identifiers: ClinVar variation 2163638 (VCV002163638.4), dbSNP rs757918567, ClinGen allele CA5050182.